The following is an entry in ClinVar:

ClinVar aggregate classification (germline): Likely benign. Review status: criteria provided, multiple submitters, no conflicts (2 of 4 stars). 2 submissions from 2 submitters: Likely benign (2). Last evaluated 2024-12-11.

Submissions (2):

Mayo Clinic Laboratories, Mayo Clinic
Classification: Likely benign. Last evaluated: 2024-12-11. Review status: criteria provided, single submitter. Criteria: ACMG Guidelines, 2015. Collection method: clinical testing. Allele origin: germline. Observed: 1 variant allele.
Comment: BS1, BP5

Blueprint Genetics
Classification: Likely benign. Last evaluated: 2024-08-13. Review status: criteria provided, single submitter. Criteria: ACMG Guidelines, 2015. Collection method: clinical testing. Allele origin: germline.

NM_002658.6(PLAU):c.58-114T>C

Genes: C10orf55 (chromosome 10 putative open reading frame 55; minus strand), PLAU (plasminogen activator, urokinase; plus strand). Cytogenetic location: 10q22.2.
Variant type: single nucleotide variant.
Coding change: c.58-114T>C on transcript NM_002658.6 (MANE Select); 114 bases into the intron before coding-DNA position 58, T replaced by C.
Molecular consequence: intron variant. On other transcripts: splice donor variant (2), non-coding transcript variant (2).
Genome position (GRCh38, 1-based): chr10:73,911,927, T>C. VCF-style: chr10-73911927-T-C. GRCh37 (hg19) VCF-style: chr10-75671685-T-C.
Other names: c.34+2T>C (NM_001145031.3); c.58-114T>C (NM_001441160.1, NM_001441154.1, NM_001441157.1 and 2 more transcripts); c.-196-119T>C (NM_001441159.1); c.-173-288T>C (NM_001319191.2); c.-202+2T>C (NM_001441158.1).
Identifiers: ClinVar variation 4683518 (VCV004683518.2).